The following is an entry in ClinVar:

NM_006885.4(ZFHX3):c.9424A>G (p.Thr3142Ala)

Genes: ZFHX3 (zinc finger homeobox 3; minus strand), ZFHX3-AS1 (ZFHX3 antisense RNA 1; plus strand). Cytogenetic location: 16q22.2.
Variant type: single nucleotide variant.
Coding change: c.9424A>G on transcript NM_006885.4 (MANE Select); coding-DNA position 9424, A replaced by G.
Protein change: p.Thr3142Ala; replaces threonine 3142 with alanine.
Molecular consequence: missense variant.
Genome position (GRCh38, 1-based): chr16:72,793,258, T>C on the plus strand (A>G on the coding strand, the complement: ZFHX3 is on the minus strand). VCF-style: chr16-72793258-T-C. GRCh37 (hg19) VCF-style: chr16-72827157-T-C.
Other names: c.6682A>G, p.Thr2228Ala (NM_001164766.2); c.9424A>G, p.Thr3142Ala (NM_001386735.1); short protein forms T2228A, T3142A.
Identifiers: ClinVar variation 3899060 (VCV003899060.1).
Genomic context (GRCh38, chr16:72,793,258, plus strand): 5'-AGAATGCTGACTGGGCAGCTATTTAGCCCTGAAACAATCGCCTAGAGCAGAACCCACCTG[T>C]GTTGGATGGAGTAAAGCCTGGCAAGGAGGGGCTGTTGAGGCCCGGGAGCAACACAGGAGG-3'
Protein context (NP_008816.3, residues 3132-3152): PSLPGFTPSN[Thr3142Ala]ALTSPKPNLM

ClinVar aggregate classification (germline): Uncertain significance (1 of 4 stars; one submission).

Submission:

GeneDx
Classification: Uncertain significance. Last evaluated: 2024-11-09. Review status: criteria provided, single submitter. Criteria: GeneDx Variant Classification Process June 2021. Collection method: clinical testing. Allele origin: germline. Affected: yes.
Comment: Not observed at significant frequency in large population cohorts (gnomAD); In silico analysis indicates that this missense variant does not alter protein structure/function; Has not been previously published as pathogenic or benign to our knowledge